The following is an entry in ClinVar:

NM_006015.6(ARID1A):c.3716-4T>C

Genes: ARID1A (AT-rich interaction domain 1A; plus strand), LOC126805670 (CDK7 strongly-dependent group 2 enhancer GRCh37_chr1:27098665-27099864; plus strand). Cytogenetic location: 1p36.11.
Variant type: single nucleotide variant.
Coding change: c.3716-4T>C on transcript NM_006015.6 (MANE Select); 4 bases into the intron before coding-DNA position 3716, T replaced by C.
Molecular consequence: intron variant.
Genome position (GRCh38, 1-based): chr1:26,773,342, T>C. VCF-style: chr1-26773342-T-C. GRCh37 (hg19) VCF-style: chr1-27099833-T-C.
Other names: c.3716-4T>C (NM_139135.4).
Identifiers: ClinVar variation 3389797 (VCV003389797.14).
Genomic context (GRCh38, chr1:26,773,342, plus strand): 5'-AAAGGGTAGATTACCAGGCTTGTCAACTTACCAGTTTGTTCACCGCTTGCCTTTCTACGC[T>C]CAGCTCCAGGGAGTGATCCCTTCATGTCCTCAGGGCAGGGCCCCAACGGCGGGATGGGTG-3'

ClinVar aggregate classification (germline): Uncertain significance (1 of 4 stars; one submission).

Submission:

CeGaT Center for Human Genetics Tuebingen
Classification: Uncertain significance. Last evaluated: 2024-10-01. Review status: criteria provided, single submitter. Criteria: CeGaT Center For Human Genetics Tuebingen Variant Classification Criteria Version 2. Collection method: clinical testing. Allele origin: germline. Affected: yes. Observed: 1 variant allele.
Comment: ARID1A: PM2, BP4